The following is an entry in ClinVar:

NM_003128.3(SPTBN1):c.5495T>C (p.Leu1832Pro)

Gene: SPTBN1 (spectrin beta, non-erythrocytic 1; plus strand). Cytogenetic location: 2p16.2.
Variant type: single nucleotide variant.
Coding change: c.5495T>C on transcript NM_003128.3 (MANE Select); coding-DNA position 5495, T replaced by C.
Protein change: p.Leu1832Pro; replaces leucine 1832 with proline.
Molecular consequence: missense variant.
Genome position (GRCh38, 1-based): chr2:54,649,907, T>C. VCF-style: chr2-54649907-T-C. GRCh37 (hg19) VCF-style: chr2-54877044-T-C.
Other names: c.5456T>C, p.Leu1819Pro (NM_178313.3); short protein forms L1832P, L1819P.
Identifiers: ClinVar variation 3393701 (VCV003393701.1).
Genomic context (GRCh38, chr2:54,649,907, plus strand): 5'-ACGATGCCAAGGAGATCTTTGGGCGTATACAGGACAAACACAAGAAACTCCCTGAGGAGC[T>C]TGGGAGAGATCAGAACACAGTGGAGACCTTACAGAGAATGCACACTACATTTGAGCATGA-3'
Protein context (NP_003119.2, residues 1822-1842): QDKHKKLPEE[Leu1832Pro]GRDQNTVETL

ClinVar aggregate classification (germline): Uncertain significance (1 of 4 stars; one submission).

Submission:

GeneDx
Classification: Uncertain significance. Last evaluated: 2024-07-01. Review status: criteria provided, single submitter. Criteria: GeneDx Variant Classification Process June 2021. Collection method: clinical testing. Allele origin: germline. Affected: yes.
Comment: Not observed at significant frequency in large population cohorts (gnomAD); In silico analysis supports that this missense variant has a deleterious effect on protein structure/function; Has not been previously published as pathogenic or benign to our knowledge